The following is an entry in ClinVar:

NM_178452.6(DNAAF1):c.124+1536_353-2102del

Gene: DNAAF1 (dynein axonemal assembly factor 1; plus strand). Cytogenetic location: 16q24.1.
Variant type: Deletion.
Coding change: c.124+1536_353-2102del on transcript NM_178452.6 (MANE Select); 1536 bases into the intron after coding-DNA position 124 through 2102 bases into the intron before coding-DNA position 353, 5,376 bases deleted.
Molecular consequence: splice acceptor variant, splice donor variant.
Genome position (GRCh38, 1-based): chr16:84,147,100-84,152,475, 5,376 bases deleted. GRCh37 (hg19): chr16:84,180,705-84,186,080.
Other names: 5376-bp deletion in DNAAF1, including p.Glu42_Lys117del.
Identifiers: ClinVar variation 65498 (VCV000065498.5), ClinGen allele CA344811.

ClinVar aggregate classification (germline): Pathogenic (0 of 4 stars; one submission).

Conditions:
Primary ciliary dyskinesia 13. Also called: CILIARY DYSKINESIA, PRIMARY, 13, WITH OR WITHOUT SITUS INVERSUS. Identifiers: Orphanet 244, MedGen C2750790, MONDO:0013174, OMIM 613193.

Submission:

GeneReviews
Classification: Pathogenic for Primary Ciliary Dyskinesia. Last evaluated: 2011-09-15. Review status: no assertion criteria provided. Collection method: curation. Allele origin: unknown.
ClinVar note: Converted during submission from pathologic to Pathogenic.